The following is an entry in ClinVar:

ClinVar aggregate classification (germline): Uncertain significance. Review status: criteria provided, multiple submitters, no conflicts (2 of 4 stars). 2 submissions from 2 submitters: Uncertain significance (2). Last evaluated 2024-05-08.

Conditions:
Senior-Loken syndrome 6 (SLSN6). Identifiers: Orphanet 3156, MedGen C1857779, MONDO:0012433, OMIM 610189.
Leber congenital amaurosis 10 (LCA10). Identifiers: Orphanet 65, MedGen C1857821, MONDO:0012723, OMIM 611755.
Bardet-Biedl syndrome 14 (BBS14). Identifiers: Orphanet 110, MedGen C2673874, MONDO:0014442, OMIM 615991.
Meckel syndrome, type 4 (MKS4). Also called: MECKEL-GRUBER SYNDROME, TYPE 4. Identifiers: Orphanet 564, MedGen C1970161, MONDO:0012626, OMIM 611134.
Joubert syndrome 5 (JBTS5). Identifiers: Orphanet 2318, MedGen C1857780, MONDO:0012432, OMIM 610188.

Submissions (2):

Fulgent Genetics
Classification: Uncertain significance for Joubert syndrome 5; Senior-Loken syndrome 6; Meckel syndrome, type 4; Leber congenital amaurosis 10; Bardet-Biedl syndrome 14. Last evaluated: 2024-05-08. Review status: criteria provided, single submitter. Criteria: ACMG Guidelines, 2015. Collection method: clinical testing. Allele origin: germline.

Mayo Clinic Laboratories, Mayo Clinic
Classification: Uncertain significance. Last evaluated: 2024-01-23. Review status: criteria provided, single submitter. Criteria: ACMG Guidelines, 2015. Collection method: clinical testing. Allele origin: germline. Observed: 1 variant allele.
Comment: BP4, PM2

NM_025114.4(CEP290):c.6122A>G (p.Tyr2041Cys)

Gene: CEP290 (centrosomal protein 290; minus strand). Cytogenetic location: 12q21.32.
Variant type: single nucleotide variant.
Coding change: c.6122A>G on transcript NM_025114.4 (MANE Select); coding-DNA position 6122, A replaced by G.
Protein change: p.Tyr2041Cys; replaces tyrosine 2041 with cysteine.
Molecular consequence: missense variant.
Genome position (GRCh38, 1-based): chr12:88,068,535, T>C on the plus strand (A>G on the coding strand, the complement: CEP290 is on the minus strand). VCF-style: chr12-88068535-T-C. GRCh37 (hg19) VCF-style: chr12-88462312-T-C.
Other names: p.Tyr2041Cys; short protein forms Y2041C.
Identifiers: ClinVar variation 3380116 (VCV003380116.2).